The following is an entry in ClinVar:

NM_178335.3(CCDC50):c.988A>G (p.Arg330Gly)

Gene: CCDC50 (coiled-coil domain containing 50; plus strand). Cytogenetic location: 3q28.
Variant type: single nucleotide variant.
Coding change: c.988A>G on transcript NM_178335.3 (MANE Select); coding-DNA position 988, A replaced by G.
Protein change: p.Arg330Gly; replaces arginine 330 with glycine.
Molecular consequence: missense variant.
Genome position (GRCh38, 1-based): chr3:191,380,170, A>G. VCF-style: chr3-191380170-A-G. GRCh37 (hg19) VCF-style: chr3-191097959-A-G.
Other names: c.460A>G, p.Arg154Gly (NM_174908.4); short protein forms R154G, R330G.
Identifiers: ClinVar variation 1922003 (VCV001922003.5), dbSNP rs867247933, ClinGen allele CA89779848.

ClinVar aggregate classification (germline): Uncertain significance (1 of 4 stars; one submission).

Allele frequency attached by ClinVar (database versions not stated): gnomAD exomes 0.00001; TOPMed 0.00001.
gnomAD v4.1: 15 of 1,580,246 alleles (0.00095%); highest among the groups gnomAD compares: Non-Finnish European, 0.0013%; no homozygotes.

Submission:

Labcorp Genetics (formerly Invitae), Labcorp
Classification: Uncertain significance. Last evaluated: 2022-05-17. Review status: criteria provided, single submitter. Criteria: Invitae Variant Classification Sherloc (09022015). Collection method: clinical testing. Allele origin: germline.
Comment: This sequence change replaces arginine, which is basic and polar, with glycine, which is neutral and non-polar, at codon 330 of the CCDC50 protein (p.Arg330Gly). This variant is not present in population databases (gnomAD no frequency). This variant has not been reported in the literature in individuals affected with CCDC50-related conditions. Algorithms developed to predict the effect of missense changes on protein structure and function are either unavailable or do not agree on the potential impact of this missense change (SIFT: "Deleterious"; PolyPhen-2: "Probably Damaging"; Align-GVGD: "Class C0"). In summary, the available evidence is currently insufficient to determine the role of this variant in disease. Therefore, it has been classified as a Variant of Uncertain Significance.